The following is an entry in ClinVar:

NM_001458.5(FLNC):c.6355G>A (p.Val2119Met)

Genes: FLNC-AS1 (FLNC antisense RNA 1; minus strand), FLNC (filamin C; plus strand). Cytogenetic location: 7q32.1.
Variant type: single nucleotide variant.
Coding change: c.6355G>A on transcript NM_001458.5 (MANE Select); coding-DNA position 6355, G replaced by A.
Protein change: p.Val2119Met; replaces valine 2119 with methionine.
Molecular consequence: missense variant.
Genome position (GRCh38, 1-based): chr7:128,853,615, G>A. VCF-style: chr7-128853615-G-A. GRCh37 (hg19) VCF-style: chr7-128493669-G-A.
Other names: c.6256G>A, p.Val2086Met (NM_001127487.2); short protein forms V2119M, V2086M.
Identifiers: ClinVar variation 580193 (VCV000580193.11), dbSNP rs748095197, ClinGen allele CA4475948.

ClinVar aggregate classification (germline): Conflicting classifications of pathogenicity. Review status: criteria provided, conflicting classifications (1 of 4 stars). 3 submissions from 3 submitters: Uncertain significance (2); Likely benign (1). Last evaluated 2025-12-27.

Conditions:
Cardiovascular phenotype. Identifiers: MedGen CN230736.
Hypertrophic cardiomyopathy 26. Also called: Cardiomyopathy, familial hypertrophic, 26. Identifiers: Orphanet 75249, MedGen C4310749, MONDO:0014883, OMIM 617047.
Myofibrillar myopathy 5. Also called: FILAMINOPATHY, AUTOSOMAL DOMINANT; Filaminopathy (type). Identifiers: Orphanet 171445, MedGen C1836050, MONDO:0012289, OMIM 609524.
Distal myopathy with posterior leg and anterior hand involvement. Also called: WILLIAMS DISTAL MYOPATHY. Identifiers: Orphanet 63273, MedGen C3279722, MONDO:0013550, OMIM 614065.

Allele frequency attached by ClinVar (database versions not stated): gnomAD exomes 0.00001; TOPMed 0.00001; ExAC 0.00002.
gnomAD v4.1: 8 of 1,614,154 alleles (0.0005%); highest among the groups gnomAD compares: African/African-American, 0.0053%; no homozygotes.

Submissions (3):

Labcorp Genetics (formerly Invitae), Labcorp
Classification: Likely benign for Distal myopathy with posterior leg and anterior hand involvement; Myofibrillar myopathy 5; Hypertrophic cardiomyopathy 26. Last evaluated: 2025-12-27. Review status: criteria provided, single submitter. Criteria: Invitae Variant Classification Sherloc (09022015). Collection method: clinical testing. Allele origin: germline.

GeneDx
Classification: Uncertain significance. Last evaluated: 2025-01-15. Review status: criteria provided, single submitter. Criteria: GeneDx Variant Classification Process June 2021. Collection method: clinical testing. Allele origin: germline. Affected: yes.
Comment: Not observed at significant frequency in large population cohorts (gnomAD); In silico analysis supports that this missense variant has a deleterious effect on protein structure/function; Has not been previously published as pathogenic or benign to our knowledge

Ambry Genetics
Classification: Uncertain significance for Cardiovascular phenotype. Last evaluated: 2024-06-12. Review status: criteria provided, single submitter. Criteria: Ambry Variant Classification Scheme 2023. Collection method: clinical testing. Allele origin: germline.
Comment: The p.V2119M variant (also known as c.6355G>A), located in coding exon 38 of the FLNC gene, results from a G to A substitution at nucleotide position 6355. The valine at codon 2119 is replaced by methionine, an amino acid with highly similar properties. This amino acid position is conserved. In addition, the in silico prediction for this alteration is inconclusive. Based on the available evidence, the clinical significance of this variant remains unclear.